The following is an entry in ClinVar:

NM_018896.5(CACNA1G):c.6243C>T (p.Ser2081=)

Gene: CACNA1G (calcium voltage-gated channel subunit alpha1 G; plus strand). Cytogenetic location: 17q21.33.
Variant type: single nucleotide variant.
Coding change: c.6243C>T on transcript NM_018896.5 (MANE Select); coding-DNA position 6243, C replaced by T.
Protein change: p.Ser2081=; no amino-acid change (serine 2081 retained).
Molecular consequence: synonymous variant. On other transcripts: non-coding transcript variant (5).
Genome position (GRCh38, 1-based): chr17:50,624,373, C>T. VCF-style: chr17-50624373-C-T. GRCh37 (hg19) VCF-style: chr17-48701734-C-T.
Other names: c.6054C>T, p.Ser2018= (NM_001256324.2); c.5985C>T, p.Ser1995= (NM_001256325.2); c.5973C>T, p.Ser1991= (NM_001256326.2); c.5793C>T, p.Ser1931= (NM_001256332.2); c.5964C>T, p.Ser1988= (NM_001256333.2, NM_198384.3); c.5943C>T, p.Ser1981= (NM_001256327.2); c.5889C>T, p.Ser1963= (NM_001256328.2); c.5862C>T, p.Ser1954= (NM_001256329.2, NM_198376.3, NM_198387.3); and 15 more.
Identifiers: ClinVar variation 2883509 (VCV002883509.3), dbSNP rs781144346, ClinGen allele CA8653622.

ClinVar aggregate classification (germline): Uncertain significance (1 of 4 stars; one submission).

Allele frequency attached by ClinVar (database versions not stated): ExAC 0.00003.
gnomAD v4.1: 11 of 1,584,248 alleles (0.00069%); highest among the groups gnomAD compares: Middle Eastern, 0.017%; no homozygotes.

Submission:

Labcorp Genetics (formerly Invitae), Labcorp
Classification: Uncertain significance. Last evaluated: 2023-05-30. Review status: criteria provided, single submitter. Criteria: Invitae Variant Classification Sherloc (09022015). Collection method: clinical testing. Allele origin: germline.
Comment: This sequence change affects codon 2081 of the CACNA1G mRNA. It is a 'silent' change, meaning that it does not change the encoded amino acid sequence of the CACNA1G protein. The frequency data for this variant in the population databases is considered unreliable, as metrics indicate poor data quality at this position in the gnomAD database. This variant has not been reported in the literature in individuals affected with CACNA1G-related conditions. Algorithms developed to predict the effect of sequence changes on RNA splicing suggest that this variant may create or strengthen a splice site. In summary, the available evidence is currently insufficient to determine the role of this variant in disease. Therefore, it has been classified as a Variant of Uncertain Significance.